The following is an entry in ClinVar:

NM_001127222.2(CACNA1A):c.3365G>T (p.Arg1122Leu)

Gene: CACNA1A (calcium voltage-gated channel subunit alpha1 A; minus strand). Cytogenetic location: 19p13.13.
Variant type: single nucleotide variant.
Coding change: c.3365G>T on transcript NM_001127222.2 (MANE Select); coding-DNA position 3365, G replaced by T.
Protein change: p.Arg1122Leu; replaces arginine 1122 with leucine.
Molecular consequence: missense variant.
Genome position (GRCh38, 1-based): chr19:13,286,691, C>A on the plus strand (G>T on the coding strand, the complement: CACNA1A is on the minus strand). VCF-style: chr19-13286691-C-A. GRCh37 (hg19) VCF-style: chr19-13397505-C-A.
Other names: c.3377G>T, p.Arg1126Leu (NM_000068.4, NM_023035.3); c.3368G>T, p.Arg1123Leu (NM_001127221.2, NM_001174080.2); short protein forms R1123L, R1122L, R1126L.
Identifiers: ClinVar variation 1730678 (VCV001730678.7), dbSNP rs201647627, ClinGen allele CA9240351.
Genomic context (GRCh38, chr19:13,286,691, plus strand): 5'-TTCTCGGGGGTCTTGGGGGGGCCGGGATTGGATGGGTTCCCCGGGTTGTTGGGCGTCCGG[C>A]GGCTGGCGGCGTTCTGGGGGTTGGTGGCCATGGCAGGGATGGCCAGCATGGGGCCGGGGT-3'
Protein context (NP_001120694.1, residues 1112-1132): MATNPQNAAS[Arg1122Leu]RTPNNPGNPS

ClinVar aggregate classification (germline): Conflicting classifications of pathogenicity. Review status: criteria provided, conflicting classifications (1 of 4 stars). 2 submissions from 2 submitters: Uncertain significance (1); Likely benign (1). Last evaluated 2025-05-11.

Conditions:
Developmental and epileptic encephalopathy, 42 (DEE42A). Also called: DEVELOPMENTAL AND EPILEPTIC ENCEPHALOPATHY 42A; EPILEPTIC ENCEPHALOPATHY, EARLY INFANTILE, 42A; Epileptic encephalopathy, early infantile, 42. Identifiers: MedGen C4310716, MONDO:0014917, OMIM 617106.
Episodic ataxia type 2 (EA2). Also called: ACETAZOLAMIDE-RESPONSIVE HEREDITARY PAROXYSMAL CEREBELLAR ATAXIA; CEREBELLAR ATAXIA, PAROXYSMAL, ACETAZOLAMIDE-RESPONSIVE; CEREBELLOPATHY, HEREDITARY PAROXYSMAL; EPISODIC ATAXIA, NYSTAGMUS-ASSOCIATED; ATAXIA, EPISODIC, WITH NYSTAGMUS; ATAXIA, FAMILIAL PAROXYSMAL. Identifiers: Orphanet 97, MedGen C1720416, MONDO:0007163, OMIM 108500.
Inborn genetic diseases. Identifiers: MedGen C0950123, MeSH D030342.

Allele frequency attached by ClinVar (database versions not stated): ESP Exome Variant Server 0.00008.
gnomAD v4.1: 6 of 1,573,386 alleles (0.00038%); highest among the groups gnomAD compares: South Asian, 0.0035%; no homozygotes.

Submissions (2):

Labcorp Genetics (formerly Invitae), Labcorp
Classification: Likely benign for Developmental and epileptic encephalopathy, 42; Episodic ataxia type 2. Last evaluated: 2025-05-11. Review status: criteria provided, single submitter. Criteria: Invitae Variant Classification Sherloc (09022015). Collection method: clinical testing. Allele origin: germline.

Ambry Genetics
Classification: Uncertain significance for Inborn genetic diseases. Last evaluated: 2018-09-29. Review status: criteria provided, single submitter. Criteria: Ambry Variant Classification Scheme 2023. Collection method: clinical testing. Allele origin: germline.
Comment: The p.R1123L variant (also known as c.3368G>T), located in coding exon 20 of the CACNA1A gene, results from a G to T substitution at nucleotide position 3368. The arginine at codon 1123 is replaced by leucine, an amino acid with dissimilar properties. This amino acid position is highly conserved in available vertebrate species. In addition, the in silico prediction for this alteration is inconclusive. Since supporting evidence is limited at this time, the clinical significance of this alteration remains unclear.